The following is an entry in ClinVar:

ClinVar aggregate classification (germline): Pathogenic. Review status: criteria provided, multiple submitters, no conflicts (2 of 4 stars). 2 submissions from 2 submitters: Pathogenic (2). Last evaluated 2024-06-17.

Conditions:
Autosomal recessive limb-girdle muscular dystrophy type 2B (LGMDR2). Also called: MUSCULAR DYSTROPHY, LIMB-GIRDLE, AUTOSOMAL RECESSIVE 2; MUSCULAR DYSTROPHY, LIMB-GIRDLE, TYPE 3; Limb-girdle muscular dystrophy, type 2B; Limb-Girdle Muscular Dystrophy Type 2B (LGMD2B). Identifiers: Orphanet 268, MedGen C1850889, MONDO:0009676, OMIM 253601.
Distal myopathy with anterior tibial onset. Identifiers: Orphanet 178400, MedGen C1847532, MONDO:0011721, OMIM 606768.
Miyoshi muscular dystrophy 1 (MMD1). Identifiers: Orphanet 45448, MedGen C4551973, MONDO:0024545, OMIM 254130.

Submissions (2):

Fulgent Genetics
Classification: Pathogenic for Autosomal recessive limb-girdle muscular dystrophy type 2B; Miyoshi muscular dystrophy 1; Distal myopathy with anterior tibial onset. Last evaluated: 2024-06-17. Review status: criteria provided, single submitter. Criteria: ACMG Guidelines, 2015. Collection method: clinical testing. Allele origin: germline.

Natera, Inc.
Classification: Pathogenic for Limb-girdle muscular dystrophy type 2B. Last evaluated: 2024-04-11. Review status: criteria provided, single submitter. Criteria: Natera Variant Classification Schema (03/2026). Collection method: clinical testing. Allele origin: germline.
Comment: The c.2659A>T variant in DYSF is a nonsense variant predicted to introduce a stop codon at amino acid 887. This variant is expected to result in nonsense mediated decay, truncation, or a dysfunctional protein product. This variant is rare in the general population with a frequency below the threshold expected for the associated phenotype(s). This variant has been observed in one or more individuals affected with the associated recessive disease, as either homozygous or compound heterozygous with a second variant (PMID: 19528035). Given the available evidence, this variant is classified as Pathogenic.

Literature cited by the submitters: PubMed 19528035 (cited by Natera, Inc.).

NM_001130987.2(DYSF):c.2713A>T (p.Lys905Ter)

Gene: DYSF (dysferlin; plus strand). Cytogenetic location: 2p13.2.
Variant type: single nucleotide variant.
Coding change: c.2713A>T on transcript NM_001130987.2 (MANE Select); coding-DNA position 2713, A replaced by T.
Protein change: p.Lys905Ter; replaces lysine 905 with a stop codon.
Molecular consequence: nonsense.
Genome position (GRCh38, 1-based): chr2:71,568,187, A>T. VCF-style: chr2-71568187-A-T. GRCh37 (hg19) VCF-style: chr2-71795317-A-T.
Other names: c.2662A>T, p.Lys888Ter (NM_001130455.2, NM_001130983.2); c.2617A>T, p.Lys873Ter (NM_001130976.2, NM_001130977.2); c.2659A>T, p.Lys887Ter (NM_001130978.2, NM_003494.4); c.2752A>T, p.Lys918Ter (NM_001130979.2); c.2710A>T, p.Lys904Ter (NM_001130980.2, NM_001130981.2); c.2755A>T, p.Lys919Ter (NM_001130982.2); c.2620A>T, p.Lys874Ter (NM_001130984.2, NM_001130986.2); c.2713A>T, p.Lys905Ter (NM_001130985.2); and 1 more; short protein forms K873*, K888*, K918*, K919*, K904*, K905*, K874*, K887*.
Identifiers: ClinVar variation 3586918 (VCV003586918.2).
Genomic context (GRCh38, chr2:71,568,187, plus strand): 5'-CTGCCTTGGCCCCCTGCTCACGCCTCATTCTTCCTGGCCCTCCAGTATGAGAACGAGACT[A>T]AGTTGGCCCTTGTTGGGAACTGGGGCACAACGGGCCTCACCTACCCCAAGTTTTCTGACG-3'